The following is an entry in ClinVar:

ClinVar aggregate classification (germline): Pathogenic (1 of 4 stars; one submission).

Conditions:
Cystic fibrosis (CF). Also called: MUCOVISCIDOSIS. Identifiers: Orphanet 586, MedGen C0010674, MONDO:0009061, OMIM 219700. Disease mechanism: loss of function.

Submission:

Women's Health and Genetics/Laboratory Corporation of America, LabCorp
Classification: Pathogenic for Cystic fibrosis. Last evaluated: 2021-12-03. Review status: criteria provided, single submitter. Criteria: LabCorp Variant Classification Summary - May 2015. Collection method: clinical testing. Allele origin: germline.
Comment: Variant summary: The variant identified by MLPA or other technology involves the deletion of exons 2-3 in the CFTR gene. A presumed nomenclature of c.(53+1_54-1)_(273+1_274-1)del has been designated for the purposes of this classification. Although exact breakpoints of this deletion are not known, it is expected to result in a frameshift in the CFTR gene, a known mechanism of disease. The variant allele was found at a frequency of 4.6e-05 in 21694 control chromosomes (gnomAD structural variants dataset). The variant, c.(53+1_54-1)_(273+1_274-1)del (aka CFTRdele2,3), has been reported in the literature in numerous individuals affected with Cystic Fibrosis (e.g. Ooi_2012, Sosnay_2013). These data indicate that the variant is very likely to be associated with disease. To our knowledge no experimental evidence demonstrating its impact on protein function have been reported. One clinical diagnostic laboratory has submitted clinical-significance assessments for this variant to ClinVar after 2014 without evidence for independent evaluation, and classified the variant as pathogenic. Based on the evidence outlined above, the variant was classified as pathogenic.

Literature cited by the submitters: PubMed 22658665; PubMed 23974870.

NC_000007.13:g.(117120202_117144306)_(117149197_117170952)del

Gene: CFTR (CF transmembrane conductance regulator; plus strand). Cytogenetic location: 7q31.2.
Variant type: Deletion.
Identifiers: ClinVar variation 1331481 (VCV001331481.1).